The following is an entry in ClinVar:

NM_020207.7(ERCC6L2):c.4150T>C (p.Ser1384Pro)

Gene: ERCC6L2 (ERCC excision repair 6 like 2; plus strand). Cytogenetic location: 9q22.32.
Variant type: single nucleotide variant.
Coding change: c.4150T>C on transcript NM_020207.7 (MANE Select); coding-DNA position 4150, T replaced by C.
Protein change: p.Ser1384Pro; replaces serine 1384 with proline.
Molecular consequence: missense variant. On other transcripts: non-coding transcript variant (1), intron variant (2).
Genome position (GRCh38, 1-based): chr9:96,012,700, T>C. VCF-style: chr9-96012700-T-C. GRCh37 (hg19) VCF-style: chr9-98774982-T-C.
Other names: c.3674+7999T>C (NM_001375291.1, NM_001375292.1); short protein forms S1384P.
Identifiers: ClinVar variation 1436294 (VCV001436294.6), dbSNP rs753000335, ClinGen allele CA5140068.

ClinVar aggregate classification (germline): Uncertain significance. Review status: criteria provided, multiple submitters, no conflicts (2 of 4 stars). 2 submissions from 2 submitters: Uncertain significance (2). Last evaluated 2024-02-26.

Allele frequency attached by ClinVar (database versions not stated): ExAC 0.00001; gnomAD exomes 0.00001.
gnomAD v4.1: 2 of 1,367,530 alleles (0.00015%); highest among the groups gnomAD compares: Non-Finnish European, 0.000098%; no homozygotes.

Submissions (2):

Labcorp Genetics (formerly Invitae), Labcorp
Classification: Uncertain significance. Last evaluated: 2024-02-26. Review status: criteria provided, single submitter. Criteria: Invitae Variant Classification Sherloc (09022015). Collection method: clinical testing. Allele origin: germline.
Comment: This sequence change replaces serine, which is neutral and polar, with proline, which is neutral and non-polar, at codon 1395 of the ERCC6L2 protein (p.Ser1395Pro). This variant is present in population databases (rs753000335, gnomAD 0.004%). This variant has not been reported in the literature in individuals affected with ERCC6L2-related conditions. ClinVar contains an entry for this variant (Variation ID: 1436294). Experimental studies and prediction algorithms are not available or were not evaluated, and the functional significance of this variant is currently unknown. In summary, the available evidence is currently insufficient to determine the role of this variant in disease. Therefore, it has been classified as a Variant of Uncertain Significance.

Blueprint Genetics
Classification: Uncertain significance. Last evaluated: 2021-07-30. Review status: criteria provided, single submitter. Criteria: ACMG Guidelines, 2015. Collection method: clinical testing. Allele origin: germline.